The following is an entry in ClinVar:

ClinVar aggregate classification (germline): Uncertain significance (1 of 4 stars; one submission).

Submission:

GeneDx
Classification: Uncertain significance. Last evaluated: 2025-03-20. Review status: criteria provided, single submitter. Criteria: GeneDx Variant Classification Process June 2021. Collection method: clinical testing. Allele origin: germline. Affected: yes.
Comment: Not observed at significant frequency in large population cohorts (gnomAD); In silico analysis supports that this missense variant has a deleterious effect on protein structure/function; Has not been previously published as pathogenic or benign to our knowledge; Located in one of the three hot-spot regions of the RYR2 gene, where the majority of pathogenic missense variants occur (PMID: 19926015); This variant is associated with the following publications: (PMID: 19926015)

NM_001035.3(RYR2):c.13853C>T (p.Thr4618Ile)

Gene: RYR2 (ryanodine receptor 2; plus strand). Cytogenetic location: 1q43.
Variant type: single nucleotide variant.
Coding change: c.13853C>T on transcript NM_001035.3 (MANE Select); coding-DNA position 13853, C replaced by T.
Protein change: p.Thr4618Ile; replaces threonine 4618 with isoleucine.
Molecular consequence: missense variant.
Genome position (GRCh38, 1-based): chr1:237,793,937, C>T. VCF-style: chr1-237793937-C-T. GRCh37 (hg19) VCF-style: chr1-237957237-C-T.
Other names: short protein forms T4618I.
Identifiers: ClinVar variation 4086667 (VCV004086667.1).